The following is an entry in ClinVar:

NM_205861.3(DHDDS):c.323+2_323+5del

Gene: DHDDS (dehydrodolichyl diphosphate synthase subunit; plus strand). Cytogenetic location: 1p36.11.
Variant type: Deletion.
Coding change: c.323+2_323+5del on transcript NM_205861.3 (MANE Select); the canonical splice donor site of the intron after coding-DNA position 323 through 5 bases into the intron after coding-DNA position 323, 4 bases deleted (TAAG; older notation c.323+2_323+5delTAAG).
Molecular consequence: splice donor variant.
Genome position (GRCh38, 1-based): chr1:26,442,875-26,442,878, TAAG deleted; deleting any 4 consecutive bases within chr1:26,442,872-26,442,878 gives the same sequence; the c. name uses the placement nearest the transcript's 3' end. VCF-style (leftmost placement, unchanged base first): chr1-26442871-AAAGT-A. GRCh37 (hg19) VCF-style: chr1-26769362-AAAGT-A.
Other names: c.44+2_44+5del (NM_001319959.2); c.323+2_323+5del (NM_024887.4, NM_001243564.2, NM_001243565.2 and 1 more transcripts).
Identifiers: ClinVar variation 1878787 (VCV001878787.6), dbSNP rs2524517535, ClinGen allele CA2580062626.
Genomic context (GRCh38, chr1:26,442,871, plus strand): 5'-GAGTGAGGTAGACGGGCTTATGGATCTGGCCCGGCAGAAGTTCAGCCGCTTGATGGAAGA[AAAGT>A]AAGATGCTATCAGAGGGGAGAGCATGTTCTTCCACCACCCCCAGCCTTATCCTAACCCTT-3'

ClinVar aggregate classification (germline): Conflicting classifications of pathogenicity. Review status: criteria provided, conflicting classifications (1 of 4 stars). 3 submissions from 3 submitters: Likely pathogenic (2); Uncertain significance (1). Last evaluated 2025-07-07.

Conditions:
Retinitis pigmentosa 59 (RP59). Identifiers: Orphanet 791, MedGen C3151227, MONDO:0013468, OMIM 613861.

Submissions (3):

GeneDx
Classification: Uncertain significance. Last evaluated: 2025-07-07. Review status: criteria provided, single submitter. Criteria: GeneDx Variant Classification Process June 2021. Collection method: clinical testing. Allele origin: germline. Affected: yes.
Comment: Canonical splice site variant in a gene or region of a gene for which loss of function is not a well-established mechanism of disease; Not observed at significant frequency in large population cohorts (gnomAD); Has not been previously published as pathogenic or benign to our knowledge

Labcorp Genetics (formerly Invitae), Labcorp
Classification: Likely pathogenic for Retinitis pigmentosa 59. Last evaluated: 2025-04-09. Review status: criteria provided, single submitter. Criteria: Invitae Variant Classification Sherloc (09022015). Collection method: clinical testing. Allele origin: germline.
Comment: This sequence change affects a splice site in intron 4 of the DHDDS gene. It is expected to disrupt RNA splicing. Variants that disrupt the donor or acceptor splice site typically lead to a loss of protein function (PMID: 16199547), and loss-of-function variants in DHDDS are known to be pathogenic (PMID: 24664742). This variant is not present in population databases (gnomAD no frequency). This variant has not been reported in the literature in individuals affected with DHDDS-related conditions. ClinVar contains an entry for this variant (Variation ID: 1878787). Algorithms developed to predict the effect of sequence changes on RNA splicing suggest that this variant may disrupt the consensus splice site. In summary, the currently available evidence indicates that the variant is pathogenic, but additional data are needed to prove that conclusively. Therefore, this variant has been classified as Likely Pathogenic.

Baylor Genetics
Classification: Likely pathogenic for Retinitis pigmentosa 59. Last evaluated: 2023-05-04. Review status: criteria provided, single submitter. Criteria: ACMG Guidelines, 2015. Collection method: clinical testing. Allele origin: unknown.

Literature cited by the submitters: PubMed 16199547 (cited by Labcorp Genetics (formerly Invitae), Labcorp); PubMed 24664742 (cited by Labcorp Genetics (formerly Invitae), Labcorp).